The following is an entry in ClinVar:

NM_006231.4(POLE):c.1012C>T (p.Pro338Ser)

Gene: POLE (DNA polymerase epsilon, catalytic subunit; minus strand). Cytogenetic location: 12q24.33.
Variant type: single nucleotide variant.
Coding change: c.1012C>T on transcript NM_006231.4 (MANE Select); coding-DNA position 1012, C replaced by T.
Protein change: p.Pro338Ser; replaces proline 338 with serine.
Molecular consequence: missense variant.
Genome position (GRCh38, 1-based): chr12:132,676,102, G>A on the plus strand (C>T on the coding strand, the complement: POLE is on the minus strand). VCF-style: chr12-132676102-G-A. GRCh37 (hg19) VCF-style: chr12-133252688-G-A.
Other names: short protein forms P338S.
Identifiers: ClinVar variation 1008328 (VCV001008328.8), dbSNP rs1565976008, ClinGen allele CA387363409.

ClinVar aggregate classification (germline): Uncertain significance (1 of 4 stars; one submission).

Allele frequency attached by ClinVar (database versions not stated): gnomAD exomes below 0.00001.
gnomAD v4.1: 1 of 1,600,532 alleles (0.000062%); highest among the groups gnomAD compares: Non-Finnish European, 0.000085%; no homozygotes.

Submission:

Labcorp Genetics (formerly Invitae), Labcorp
Classification: Uncertain significance. Last evaluated: 2024-09-09. Review status: criteria provided, single submitter. Criteria: Invitae Variant Classification Sherloc (09022015). Collection method: clinical testing. Allele origin: germline.
Comment: This sequence change replaces proline, which is neutral and non-polar, with serine, which is neutral and polar, at codon 338 of the POLE protein (p.Pro338Ser). This variant is not present in population databases (gnomAD no frequency). This variant has not been reported in the literature in individuals affected with POLE-related conditions. ClinVar contains an entry for this variant (Variation ID: 1008328). Invitae Evidence Modeling of protein sequence and biophysical properties (such as structural, functional, and spatial information, amino acid conservation, physicochemical variation, residue mobility, and thermodynamic stability) indicates that this missense variant is not expected to disrupt POLE protein function with a negative predictive value of 80%. In summary, the available evidence is currently insufficient to determine the role of this variant in disease. Therefore, it has been classified as a Variant of Uncertain Significance.